The following is an entry in ClinVar:

NM_000784.4(CYP27A1):c.802T>C (p.Trp268Arg)

Gene: CYP27A1 (cytochrome P450 family 27 subfamily A member 1; plus strand). Cytogenetic location: 2q35.
Variant type: single nucleotide variant.
Coding change: c.802T>C on transcript NM_000784.4 (MANE Select); coding-DNA position 802, T replaced by C.
Protein change: p.Trp268Arg; replaces tryptophan 268 with arginine.
Molecular consequence: missense variant.
Genome position (GRCh38, 1-based): chr2:218,812,707, T>C. VCF-style: chr2-218812707-T-C. GRCh37 (hg19) VCF-style: chr2-219677430-T-C.
Other names: short protein forms W268R.
Identifiers: ClinVar variation 595582 (VCV000595582.7), dbSNP rs535323883, ClinGen allele CA2112720.
Genomic context (GRCh38, chr2:218,812,707, plus strand): 5'-TTCCAGAACTCACTCTATGCCACCTTCCTCCCCAAGTGGACTCGCCCCGTGCTGCCTTTC[T>C]GGAAGCGATACCTGGATGGTTGGAATGCCATCTTTTCCTTTGGTGAGGACTCCCAGATGG-3'
Protein context (NP_000775.1, residues 258-278): PKWTRPVLPF[Trp268Arg]KRYLDGWNAI

ClinVar aggregate classification (germline): Conflicting classifications of pathogenicity. Review status: criteria provided, conflicting classifications (1 of 4 stars). 2 submissions from 2 submitters: Likely pathogenic (1); Uncertain significance (1). Last evaluated 2025-12-15.

Conditions:
Cholestanol storage disease (CTX). Also called: Cerebrotendinous Xanthomatosis; CTX: Cerebrotendinous xanthomatosis; CEREBRAL CHOLESTERINOSIS. Identifiers: Orphanet 909, MedGen C0238052, MONDO:0008948, OMIM 213700.

Allele frequency attached by ClinVar (database versions not stated): gnomAD below 0.00001 and 0.00002; gnomAD exomes 0.00004 and 0.00006; ExAC 0.00006; 1000 Genomes Project 0.00020; 1000 Genomes Project 30x 0.00031.
gnomAD v4.1: 62 of 1,614,242 alleles (0.0038%); highest among the groups gnomAD compares: South Asian, 0.068%; no homozygotes.

Submissions (2):

Labcorp Genetics (formerly Invitae), Labcorp
Classification: Likely pathogenic for Cholestanol storage disease. Last evaluated: 2025-12-15. Review status: criteria provided, single submitter. Criteria: Invitae Variant Classification Sherloc (09022015). Collection method: clinical testing. Allele origin: germline.
Comment: This sequence change replaces tryptophan, which is neutral and slightly polar, with arginine, which is basic and polar, at codon 268 of the CYP27A1 protein (p.Trp268Arg). This variant is present in population databases (rs535323883, gnomAD 0.05%). This variant has not been reported in the literature in individuals affected with CYP27A1-related conditions. ClinVar contains an entry for this variant (Variation ID: 595582). Invitae Evidence Modeling of protein sequence and biophysical properties (such as structural, functional, and spatial information, amino acid conservation, physicochemical variation, residue mobility, and thermodynamic stability) indicates that this missense variant is expected to disrupt CYP27A1 protein function with a positive predictive value of 95%. This variant disrupts the p.Trp268 amino acid residue in CYP27A1. Other variant(s) that disrupt this residue have been determined to be pathogenic (PMID: 21404287). This suggests that this residue is clinically significant, and that variants that disrupt this residue are likely to be disease-causing. In summary, the currently available evidence indicates that the variant is pathogenic, but additional data are needed to prove that conclusively. Therefore, this variant has been classified as Likely Pathogenic.

Eurofins Ntd Llc (ga)
Classification: Uncertain significance. Last evaluated: 2017-12-27. Review status: criteria provided, single submitter. Criteria: EGL Classification Definitions 2015. Collection method: clinical testing. Allele origin: germline. Observed: 1 variant allele, 1 heterozygote.

Literature cited by the submitters: PubMed 21404287 (cited by Labcorp Genetics (formerly Invitae), Labcorp).